The following is an entry in ClinVar:

ClinVar aggregate classification (germline): Pathogenic (1 of 4 stars; one submission).

Conditions:
Fanconi anemia complementation group O. Also called: RAD51C-Related Fanconi Anemia. Identifiers: Orphanet 84, MedGen C3150653, MONDO:0013248, OMIM 613390.

Submission:

Labcorp Genetics (formerly Invitae), Labcorp
Classification: Pathogenic for Fanconi anemia complementation group O. Last evaluated: 2022-10-18. Review status: criteria provided, single submitter. Criteria: Invitae Variant Classification Sherloc (09022015). Collection method: clinical testing. Allele origin: germline.
Comment: This variant is a gross deletion of the genomic region encompassing exon(s) 4 of the RAD51C gene. This deletion is out-of-frame, and is expected to create a premature termination codon and result in an absent or disrupted protein product. Loss-of-function variants in RAD51C are known to be pathogenic (PMID: 20400964, 21990120, 24800917). This variant has not been reported in the literature in individuals affected with RAD51C-related conditions. For these reasons, this variant has been classified as Pathogenic.

Literature cited by the submitters: PubMed 20400964; PubMed 21990120; PubMed 24800917.

NC_000017.11:g.(?_58703186)_(58703339_?)del

Genes: RAD51C (RAD51 paralog C; plus strand), LOC129390903 (MPRA-validated peak2919 silencer; plus strand). Cytogenetic location: 17q22.
Variant type: Deletion.
Identifiers: ClinVar variation 650713 (VCV000650713.3).